The following is an entry in ClinVar:

NM_000057.4(BLM):c.3584C>G (p.Ser1195Cys)

Gene: BLM (BLM RecQ like helicase; plus strand). Cytogenetic location: 15q26.1.
Variant type: single nucleotide variant.
Coding change: c.3584C>G on transcript NM_000057.4 (MANE Select); coding-DNA position 3584, C replaced by G.
Protein change: p.Ser1195Cys; replaces serine 1195 with cysteine.
Molecular consequence: missense variant. On other transcripts: intron variant (1).
Genome position (GRCh38, 1-based): chr15:90,804,192, C>G. VCF-style: chr15-90804192-C-G. GRCh37 (hg19) VCF-style: chr15-91347422-C-G.
Other names: c.3584C>G, p.Ser1195Cys (NM_001287246.2); c.2459C>G, p.Ser820Cys (NM_001287248.2); c.3359-4945C>G (NM_001287247.2); short protein forms S820C, S1195C.
Identifiers: ClinVar variation 2709466 (VCV002709466.3), dbSNP rs2505549577, ClinGen allele CA393847935.
Genomic context (GRCh38, chr15:90,804,192, plus strand): 5'-TACCCACTCCTATGATTTGTTTCTCTCTCATAAAGGTAGACTTTATGGAAACAGAAAATT[C>G]CAGCAGTGTGAAAAAACAAAAAGCGTTAGTAGCAAAAGTGTCTCAGAGGGAAGAGATGGT-3'
Protein context (NP_000048.1, residues 1185-1205): LKVDFMETEN[Ser1195Cys]SSVKKQKALV

ClinVar aggregate classification (germline): Uncertain significance (1 of 4 stars; one submission).

Conditions:
Bloom syndrome (BLM). Also called: Bloom-Torre-Machacek syndrome. Identifiers: Orphanet 125, MedGen C0005859, MONDO:0008876, OMIM 210900.

Submission:

Labcorp Genetics (formerly Invitae), Labcorp
Classification: Uncertain significance for Bloom syndrome. Last evaluated: 2024-01-15. Review status: criteria provided, single submitter. Criteria: Invitae Variant Classification Sherloc (09022015). Collection method: clinical testing. Allele origin: germline.
Comment: This sequence change replaces serine, which is neutral and polar, with cysteine, which is neutral and slightly polar, at codon 1195 of the BLM protein (p.Ser1195Cys). This variant is not present in population databases (gnomAD no frequency). This variant has not been reported in the literature in individuals affected with BLM-related conditions. Advanced modeling of protein sequence and biophysical properties (such as structural, functional, and spatial information, amino acid conservation, physicochemical variation, residue mobility, and thermodynamic stability) performed at Invitae indicates that this missense variant is not expected to disrupt BLM protein function with a negative predictive value of 80%. In summary, the available evidence is currently insufficient to determine the role of this variant in disease. Therefore, it has been classified as a Variant of Uncertain Significance.